The following is an entry in ClinVar:

NM_001330588.2(TPP2):c.3365T>C (p.Ile1122Thr)

Gene: TPP2 (tripeptidyl peptidase 2; plus strand). Cytogenetic location: 13q33.1.
Variant type: single nucleotide variant.
Coding change: c.3365T>C on transcript NM_001330588.2 (MANE Select); coding-DNA position 3365, T replaced by C.
Protein change: p.Ile1122Thr; replaces isoleucine 1122 with threonine.
Molecular consequence: missense variant. On other transcripts: non-coding transcript variant (1).
Genome position (GRCh38, 1-based): chr13:102,664,919, T>C. VCF-style: chr13-102664919-T-C. GRCh37 (hg19) VCF-style: chr13-103317269-T-C.
Other names: c.3326T>C, p.Ile1109Thr (NM_001367947.1, NM_003291.4); short protein forms I1109T, I1122T.
Identifiers: ClinVar variation 2789260 (VCV002789260.3), dbSNP rs2504101758, ClinGen allele CA388508536.

ClinVar aggregate classification (germline): Uncertain significance (1 of 4 stars; one submission).

Conditions:
Evans syndrome, immunodeficiency, and premature immunosenescence associated with tripeptidyl-peptidase II deficiency. Identifiers: MedGen CN231723. Disease mechanism: loss of function.

Submission:

Labcorp Genetics (formerly Invitae), Labcorp
Classification: Uncertain significance for Evans syndrome, immunodeficiency, and premature immunosenescence associated with tripeptidyl-peptidase II deficiency. Last evaluated: 2023-11-24. Review status: criteria provided, single submitter. Criteria: Invitae Variant Classification Sherloc (09022015). Collection method: clinical testing. Allele origin: germline.
Comment: This sequence change replaces isoleucine, which is neutral and non-polar, with threonine, which is neutral and polar, at codon 1109 of the TPP2 protein (p.Ile1109Thr). This variant is not present in population databases (gnomAD no frequency). This variant has not been reported in the literature in individuals affected with TPP2-related conditions. An algorithm developed to predict the effect of missense changes on protein structure and function (PolyPhen-2) suggests that this variant is likely to be tolerated. In summary, the available evidence is currently insufficient to determine the role of this variant in disease. Therefore, it has been classified as a Variant of Uncertain Significance.